The following is an entry in ClinVar:

ClinVar aggregate classification (germline): Likely benign (1 of 4 stars; one submission).

Submission:

GeneDx
Classification: Likely benign. Last evaluated: 2016-03-01. Review status: criteria provided, single submitter. Criteria: GeneDx Variant Classification (06012015). Collection method: clinical testing. Allele origin: germline. Affected: yes.
Comment: This variant is considered likely benign or benign based on one or more of the following criteria: it is a conservative change, it occurs at a poorly conserved position in the protein, it is predicted to be benign by multiple in silico algorithms, and/or has population frequency not consistent with disease.

NM_005633.4(SOS1):c.2791+11C>G

Gene: SOS1 (SOS Ras/Rac guanine nucleotide exchange factor 1; minus strand). Cytogenetic location: 2p22.1.
Variant type: single nucleotide variant.
Coding change: c.2791+11C>G on transcript NM_005633.4 (MANE Select); 11 bases into the intron after coding-DNA position 2791, C replaced by G.
Molecular consequence: intron variant.
Genome position (GRCh38, 1-based): chr2:39,006,401, G>C on the plus strand (C>G on the coding strand, the complement: SOS1 is on the minus strand). VCF-style: chr2-39006401-G-C. GRCh37 (hg19) VCF-style: chr2-39233542-G-C.
Other names: c.2770+11C>G (NM_001382394.1); c.2791+11C>G (NM_001382395.1).
Identifiers: ClinVar variation 384113 (VCV000384113.1), dbSNP rs1057521862, ClinGen allele CA16604131.